The following is an entry in ClinVar:

NM_001130021.3(ATP6V0A1):c.1717A>C (p.Ile573Leu)

Gene: ATP6V0A1 (ATPase H+ transporting V0 subunit a1; plus strand). Cytogenetic location: 17q21.2.
Variant type: single nucleotide variant.
Coding change: c.1717A>C on transcript NM_001130021.3 (MANE Select); coding-DNA position 1717, A replaced by C.
Protein change: p.Ile573Leu; replaces isoleucine 573 with leucine.
Molecular consequence: missense variant.
Genome position (GRCh38, 1-based): chr17:42,500,744, A>C. VCF-style: chr17-42500744-A-C. GRCh37 (hg19) VCF-style: chr17-40652762-A-C.
Other names: c.1738A>C, p.Ile580Leu (NM_001130020.3, NM_001378522.1, NM_001378523.1 and 3 more transcripts); c.1840A>C, p.Ile614Leu (NM_001378530.1, NM_001378533.1, NM_001378551.1 and 1 more transcripts); c.1861A>C, p.Ile621Leu (NM_001378531.1, NM_001378532.1); c.1717A>C, p.Ile573Leu (NM_001378535.1, NM_001378537.1, NM_001378542.1 and 3 more transcripts); c.1609A>C, p.Ile537Leu (NM_001378536.1, NM_001378550.1, NM_001378556.1); c.1588A>C, p.Ile530Leu (NM_001378538.1, NM_001378540.1); c.1558A>C, p.Ile520Leu (NM_001378543.1, NM_001378553.1); c.1507A>C, p.Ile503Leu (NM_001378545.1, NM_001378554.1, NM_001378555.1); and 3 more; short protein forms I491L, I502L, I503L, I513L, I520L, I530L, I537L, I573L.
Identifiers: ClinVar variation 2579380 (VCV002579380.1), dbSNP rs1180072191, ClinGen allele CA399577129.

ClinVar aggregate classification (germline): Uncertain significance (1 of 4 stars; one submission).

Allele frequency attached by ClinVar (database versions not stated): TOPMed below 0.00001; gnomAD 0.00001; gnomAD exomes 0.00001.
gnomAD v4.1: 9 of 1,613,822 alleles (0.00056%); highest among the groups gnomAD compares: Non-Finnish European, 0.00076%; no homozygotes.

Submission:

GeneDx
Classification: Uncertain significance. Last evaluated: 2023-03-06. Review status: criteria provided, single submitter. Criteria: GeneDx Variant Classification Process June 2021. Collection method: clinical testing. Allele origin: germline. Affected: yes.
Comment: Not observed at significant frequency in large population cohorts (gnomAD); In silico analysis supports that this missense variant does not alter protein structure/function; Has not been previously published as pathogenic or benign to our knowledge